The following is an entry in ClinVar:

NM_031372.4(HNRNPDL):c.299C>T (p.Ala100Val)

Gene: HNRNPDL (heterogeneous nuclear ribonucleoprotein D like; minus strand). Cytogenetic location: 4q21.22.
Variant type: single nucleotide variant.
Coding change: c.299C>T on transcript NM_031372.4 (MANE Select); coding-DNA position 299, C replaced by T.
Protein change: p.Ala100Val; replaces alanine 100 with valine.
Molecular consequence: missense variant. On other transcripts: non-coding transcript variant (1).
Genome position (GRCh38, 1-based): chr4:82,429,392, G>A on the plus strand (C>T on the coding strand, the complement: HNRNPDL is on the minus strand). VCF-style: chr4-82429392-G-A. GRCh37 (hg19) VCF-style: chr4-83350545-G-A.
Other names: c.299C>T, p.Ala100Val (NM_001207000.1); short protein forms A100V.
Identifiers: ClinVar variation 3689430 (VCV003689430.2).

ClinVar aggregate classification (germline): Uncertain significance (1 of 4 stars; one submission).

Conditions:
Autosomal dominant limb-girdle muscular dystrophy type 1G (LGMDD3). Also called: MUSCULAR DYSTROPHY, LIMB-GIRDLE, AUTOSOMAL DOMINANT 3; Limb-girdle muscular dystrophy, type 1G. Identifiers: Orphanet 55596, MedGen C1836765, MONDO:0012193, OMIM 609115.

Submission:

Labcorp Genetics (formerly Invitae), Labcorp
Classification: Uncertain significance for Autosomal dominant limb-girdle muscular dystrophy type 1G. Last evaluated: 2024-05-01. Review status: criteria provided, single submitter. Criteria: Invitae Variant Classification Sherloc (09022015). Collection method: clinical testing. Allele origin: germline.
Comment: This sequence change replaces alanine, which is neutral and non-polar, with valine, which is neutral and non-polar, at codon 100 of the HNRNPDL protein (p.Ala100Val). This variant is not present in population databases (gnomAD no frequency). This variant has not been reported in the literature in individuals affected with HNRNPDL-related conditions. An algorithm developed to predict the effect of missense changes on protein structure and function (PolyPhen-2) suggests that this variant is likely to be tolerated. In summary, the available evidence is currently insufficient to determine the role of this variant in disease. Therefore, it has been classified as a Variant of Uncertain Significance.